The following is an entry in ClinVar:

ClinVar aggregate classification (germline): Uncertain significance. Review status: criteria provided, multiple submitters, no conflicts (2 of 4 stars). 3 submissions from 3 submitters: Uncertain significance (2). 1 of the submissions does not count toward it. Last evaluated 2024-01-17.

Conditions:
FAT4-related disorder. Also called: FAT4-related condition.
Inborn genetic diseases. Identifiers: MedGen C0950123, MeSH D030342.

Allele frequency attached by ClinVar (database versions not stated): TOPMed 0.00002; gnomAD 0.00004; ExAC 0.00007; ESP Exome Variant Server 0.00008; gnomAD exomes 0.00008.
gnomAD v4.1: 84 of 1,613,926 alleles (0.0052%); highest among the groups gnomAD compares: South Asian, 0.054%; 1 homozygote.

Submissions (3):

Ambry Genetics
Classification: Uncertain significance for Inborn genetic diseases. Last evaluated: 2024-01-17. Review status: criteria provided, single submitter. Criteria: Ambry Variant Classification Scheme 2023. Collection method: clinical testing. Allele origin: germline.

Labcorp Genetics (formerly Invitae), Labcorp
Classification: Uncertain significance. Last evaluated: 2022-04-23. Review status: criteria provided, single submitter. Criteria: Invitae Variant Classification Sherloc (09022015). Collection method: clinical testing. Allele origin: germline.
Comment: This sequence change replaces alanine, which is neutral and non-polar, with valine, which is neutral and non-polar, at codon 3230 of the FAT4 protein (p.Ala3230Val). This variant is present in population databases (rs373873722, gnomAD 0.04%). This variant has not been reported in the literature in individuals affected with FAT4-related conditions. Advanced modeling of protein sequence and biophysical properties (such as structural, functional, and spatial information, amino acid conservation, physicochemical variation, residue mobility, and thermodynamic stability) performed at Invitae indicates that this missense variant is not expected to disrupt FAT4 protein function. In summary, the available evidence is currently insufficient to determine the role of this variant in disease. Therefore, it has been classified as a Variant of Uncertain Significance.

PreventionGenetics, part of Exact Sciences
Classification: Uncertain significance for FAT4-related condition. Last evaluated: 2024-07-29. Review status: no assertion criteria provided. Collection method: clinical testing. Allele origin: germline. Not counted in ClinVar's aggregate classification.
Comment: The FAT4 c.9695C>T variant is predicted to result in the amino acid substitution p.Ala3232Val. To our knowledge, this variant has not been reported in the literature. This variant is reported in 0.046% of alleles in individuals of South Asian descent in gnomAD. At this time, the clinical significance of this variant is uncertain due to the absence of conclusive functional and genetic evidence.

NM_001291303.3(FAT4):c.9695C>T (p.Ala3232Val)

Gene: FAT4 (FAT atypical cadherin 4; plus strand). Cytogenetic location: 4q28.1.
Variant type: single nucleotide variant.
Coding change: c.9695C>T on transcript NM_001291303.3 (MANE Select); coding-DNA position 9695, C replaced by T.
Protein change: p.Ala3232Val; replaces alanine 3232 with valine.
Molecular consequence: missense variant.
Genome position (GRCh38, 1-based): chr4:125,450,705, C>T. VCF-style: chr4-125450705-C-T. GRCh37 (hg19) VCF-style: chr4-126371860-C-T.
Other names: c.9695C>T, p.Ala3232Val (NM_001291285.3); c.9689C>T, p.Ala3230Val (NM_024582.6); c.9689C>T (NM_024582.4); c.9695C>T (NM_001291303.1); short protein forms A3232V, A3230V.
Identifiers: ClinVar variation 1517705 (VCV001517705.7), dbSNP rs373873722, ClinGen allele CA3073564.